The following is an entry in ClinVar:

ClinVar aggregate classification (germline): Likely pathogenic (1 of 4 stars; one submission).

Conditions:
Dilated cardiomyopathy 1G (CMD1G). Identifiers: Orphanet 154, MedGen C1858763, MONDO:0011400, OMIM 604145.
Autosomal recessive limb-girdle muscular dystrophy type 2J (LGMDR10). Also called: Limb-girdle muscular dystrophy, type 2J; MUSCULAR DYSTROPHY, LIMB-GIRDLE, AUTOSOMAL RECESSIVE 10. Identifiers: Orphanet 140922, MedGen C1837342, MONDO:0012127, OMIM 608807.

Submission:

Labcorp Genetics (formerly Invitae), Labcorp
Classification: Likely pathogenic for Dilated cardiomyopathy 1G; Autosomal recessive limb-girdle muscular dystrophy type 2J. Last evaluated: 2024-08-01. Review status: criteria provided, single submitter. Criteria: Invitae Variant Classification Sherloc (09022015). Collection method: clinical testing. Allele origin: germline.
Comment: This sequence change creates a premature translational stop signal (p.Met35866Argfs*12) in the TTN gene. While this is not anticipated to result in nonsense mediated decay, it is expected to create a truncated TTN protein. This variant is not present in population databases (gnomAD no frequency). This variant has not been reported in the literature in individuals affected with TTN-related conditions. This variant is located in the M band of TTN (PMID: 25589632). Truncating variants in this region have been previously reported in individuals affected with autosomal recessive myopathy and muscular dystrophy (PMID: 18948003, 23975875, 24395473). Truncating variants in this region have also been identified in individuals affected with autosomal dominant dilated cardiomyopathy and/or cardio-related conditions (PMID: 27869827, 32964742, Invitae internal data). In summary, the currently available evidence indicates that the variant is pathogenic, but additional data are needed to prove that conclusively. Therefore, this variant has been classified as Likely Pathogenic.

Literature cited by the submitters: PubMed 25589632; PubMed 18948003; PubMed 23975875; PubMed 24395473; PubMed 27869827; PubMed 32964742.

NM_001267550.2(TTN):c.107597del (p.Met35866fs)

Genes: TTN (titin; minus strand), TTN-AS1 (TTN antisense RNA 1; plus strand). Cytogenetic location: 2q31.2.
Variant type: Deletion.
Coding change: c.107597del on transcript NM_001267550.2 (MANE Select); coding-DNA position 107597, one base deleted (T; older notation c.107597delT).
Protein change: p.Met35866fs; shifts the reading frame from methionine 35866.
Molecular consequence: frameshift variant.
Genome position (GRCh38, 1-based): chr2:178,527,529, A deleted on the plus strand (T on the coding strand, the reverse complement: TTN is on the minus strand). VCF-style (leftmost placement, unchanged base first): chr2-178527528-CA-C. GRCh37 (hg19) VCF-style: chr2-179392255-CA-C.
Other names: c.102674del, p.Met34225fs (NM_001256850.1); c.80402del, p.Met26801fs (NM_003319.4); c.99893del, p.Met33298fs (NM_133378.4); c.80777del, p.Met26926fs (NM_133432.3); c.80978del, p.Met26993fs (NM_133437.4); short protein forms M26801fs, M26926fs, M26993fs, M33298fs, M34225fs, M35866fs.
Identifiers: ClinVar variation 3749434 (VCV003749434.2).